The following is an entry in ClinVar:

ClinVar aggregate classification (germline): Uncertain significance (1 of 4 stars; one submission).

Conditions:
Inborn genetic diseases. Identifiers: MedGen C0950123, MeSH D030342.

gnomAD v4.1: 2 of 1,613,188 alleles (0.00012%); highest among the groups gnomAD compares: Non-Finnish European, 0.000085%; no homozygotes.

Submission:

Ambry Genetics
Classification: Uncertain significance for Inborn genetic diseases. Last evaluated: 2025-03-14. Review status: criteria provided, single submitter. Criteria: Ambry Variant Classification Scheme 2023. Collection method: clinical testing. Allele origin: germline.
Comment: The p.W85R variant (also known as c.253T>C), located in coding exon 2 of the SMAD2 gene, results from a T to C substitution at nucleotide position 253. The tryptophan at codon 85 is replaced by arginine, an amino acid with dissimilar properties. This amino acid position is conserved. In addition, this alteration is predicted to be deleterious by in silico analysis. Based on the available evidence, the clinical significance of this variant remains unclear.

NM_005901.6(SMAD2):c.253T>C (p.Trp85Arg)

Gene: SMAD2 (SMAD family member 2; minus strand). Cytogenetic location: 18q21.1.
Variant type: single nucleotide variant.
Coding change: c.253T>C on transcript NM_005901.6 (MANE Select); coding-DNA position 253, T replaced by C.
Protein change: p.Trp85Arg; replaces tryptophan 85 with arginine.
Molecular consequence: missense variant. On other transcripts: intron variant (1).
Genome position (GRCh38, 1-based): chr18:47,870,548, A>G on the plus strand (T>C on the coding strand, the complement: SMAD2 is on the minus strand). VCF-style: chr18-47870548-A-G. GRCh37 (hg19) VCF-style: chr18-45396919-A-G.
Other names: c.253T>C, p.Trp85Arg (NM_001003652.4); c.237-1112T>C (NM_001135937.3); short protein forms W85R.
Identifiers: ClinVar variation 3798794 (VCV003798794.1).